The following is an entry in ClinVar:

NM_020937.4(FANCM):c.5593A>G (p.Arg1865Gly)

Gene: FANCM (FA complementation group M; plus strand). Cytogenetic location: 14q21.2.
Variant type: single nucleotide variant.
Coding change: c.5593A>G on transcript NM_020937.4 (MANE Select); coding-DNA position 5593, A replaced by G.
Protein change: p.Arg1865Gly; replaces arginine 1865 with glycine.
Molecular consequence: missense variant.
Genome position (GRCh38, 1-based): chr14:45,196,424, A>G. VCF-style: chr14-45196424-A-G. GRCh37 (hg19) VCF-style: chr14-45665627-A-G.
Other names: c.5515A>G, p.Arg1839Gly (NM_001308133.2); short protein forms R1865G, R1839G.
Identifiers: ClinVar variation 4619438 (VCV004619438.1).

ClinVar aggregate classification (germline): Uncertain significance (1 of 4 stars; one submission).

Conditions:
Inborn genetic diseases. Identifiers: MedGen C0950123, MeSH D030342.

Submission:

Ambry Genetics
Classification: Uncertain significance for Inborn genetic diseases. Last evaluated: 2025-09-19. Review status: criteria provided, single submitter. Criteria: Ambry Variant Classification Scheme 2023. Collection method: clinical testing. Allele origin: germline.
Comment: The p.R1865G variant (also known as c.5593A>G), located in coding exon 21 of the FANCM gene, results from an A to G substitution at nucleotide position 5593. The arginine at codon 1865 is replaced by glycine, an amino acid with dissimilar properties. This amino acid position is conserved. In addition, this alteration is predicted to be deleterious by in silico analysis. Based on the available evidence, the clinical significance of this variant remains unclear.